The following is an entry in ClinVar:

NM_002599.5(PDE2A):c.175G>A (p.Asp59Asn)

Gene: PDE2A (phosphodiesterase 2A; minus strand). Cytogenetic location: 11q13.4.
Variant type: single nucleotide variant.
Coding change: c.175G>A on transcript NM_002599.5 (MANE Select); coding-DNA position 175, G replaced by A.
Protein change: p.Asp59Asn; replaces aspartic acid 59 with asparagine.
Molecular consequence: missense variant.
Genome position (GRCh38, 1-based): chr11:72,608,721, C>T on the plus strand (G>A on the coding strand, the complement: PDE2A is on the minus strand). VCF-style: chr11-72608721-C-T. GRCh37 (hg19) VCF-style: chr11-72319765-C-T.
Other names: c.175G>A (NM_002599.4); c.154G>A, p.Asp52Asn (NM_001143839.4); c.148G>A, p.Asp50Asn (NM_001146209.3); c.112G>A, p.Asp38Asn (NM_001243784.2); short protein forms D38N, D59N, D50N, D52N.
Identifiers: ClinVar variation 2885554 (VCV002885554.4), dbSNP rs376352935, ClinGen allele CA6172675.

ClinVar aggregate classification (germline): Uncertain significance. Review status: criteria provided, multiple submitters, no conflicts (2 of 4 stars). 2 submissions from 2 submitters: Uncertain significance (2). Last evaluated 2025-11-08.

Conditions:
Inborn genetic diseases. Identifiers: MedGen C0950123, MeSH D030342.

Allele frequency attached by ClinVar (database versions not stated): gnomAD 0.00004; TOPMed 0.00006; ESP Exome Variant Server 0.00008; gnomAD exomes 0.00008; ExAC 0.00013.
gnomAD v4.1: 116 of 1,572,050 alleles (0.0074%); highest among the groups gnomAD compares: Non-Finnish European, 0.0097%; no homozygotes.

Submissions (2):

Ambry Genetics
Classification: Uncertain significance for Inborn genetic diseases. Last evaluated: 2025-11-08. Review status: criteria provided, single submitter. Criteria: Ambry Variant Classification Scheme 2023. Collection method: clinical testing. Allele origin: germline.

Labcorp Genetics (formerly Invitae), Labcorp
Classification: Uncertain significance. Last evaluated: 2024-05-21. Review status: criteria provided, single submitter. Criteria: Invitae Variant Classification Sherloc (09022015). Collection method: clinical testing. Allele origin: germline.
Comment: This sequence change replaces aspartic acid, which is acidic and polar, with asparagine, which is neutral and polar, at codon 59 of the PDE2A protein (p.Asp59Asn). The frequency data for this variant in the population databases is considered unreliable, as metrics indicate poor data quality at this position in the gnomAD database. This variant has not been reported in the literature in individuals affected with PDE2A-related conditions. Algorithms developed to predict the effect of missense changes on protein structure and function output the following: SIFT: "Not Available"; PolyPhen-2: "Benign"; Align-GVGD: "Not Available". The asparagine amino acid residue is found in multiple mammalian species, which suggests that this missense change does not adversely affect protein function. In summary, the available evidence is currently insufficient to determine the role of this variant in disease. Therefore, it has been classified as a Variant of Uncertain Significance.